The following is an entry in ClinVar:

NM_001792.5(CDH2):c.16G>A (p.Gly6Arg)

Gene: CDH2 (cadherin 2; minus strand). Cytogenetic location: 18q12.1.
Variant type: single nucleotide variant.
Coding change: c.16G>A on transcript NM_001792.5 (MANE Select); coding-DNA position 16, G replaced by A.
Protein change: p.Gly6Arg; replaces glycine 6 with arginine.
Molecular consequence: missense variant.
Genome position (GRCh38, 1-based): chr18:28,177,007, C>T on the plus strand (G>A on the coding strand, the complement: CDH2 is on the minus strand). VCF-style: chr18-28177007-C-T. GRCh37 (hg19) VCF-style: chr18-25756971-C-T.
Other names: short protein forms G6R.
Identifiers: ClinVar variation 3998901 (VCV003998901.1).
Genomic context (GRCh38, chr18:28,177,007, plus strand): 5'-GGGGACCGCCGCGTACCTGAAGCAGGGCCGCCAGCAGCGGCAGCAGGGTCCGCAGCGCTC[C>T]CGCTATCCGGCACATGGAGGCGGAGAGGGGCCGAGCGAAGAGCCGGAGGAGGCGGCGGCG-3'
Protein context (NP_001783.2, residues 1-16): MCRIA[Gly6Arg]ALRTLLPLLA

ClinVar aggregate classification (germline): Uncertain significance (1 of 4 stars; one submission).

Conditions:
Inborn genetic diseases. Identifiers: MedGen C0950123, MeSH D030342.

Submission:

Ambry Genetics
Classification: Uncertain significance for Inborn genetic diseases. Last evaluated: 2025-05-03. Review status: criteria provided, single submitter. Criteria: Ambry Variant Classification Scheme 2023. Collection method: clinical testing. Allele origin: germline.
Comment: The p.G6R variant (also known as c.16G>A), located in coding exon 1 of the CDH2 gene, results from a G to A substitution at nucleotide position 16. The glycine at codon 6 is replaced by arginine, an amino acid with dissimilar properties. This amino acid position is conserved. In addition, this alteration is predicted to be tolerated by in silico analysis. Based on the available evidence, the clinical significance of this variant remains unclear.